The following is an entry in ClinVar:

ClinVar aggregate classification (germline): Uncertain significance. Review status: criteria provided, multiple submitters, no conflicts (2 of 4 stars). 2 submissions from 2 submitters: Uncertain significance (2). Last evaluated 2023-12-18.

Conditions:
Inborn genetic diseases. Identifiers: MedGen C0950123, MeSH D030342.
Primary immunodeficiency with post-measles-mumps-rubella vaccine viral infection. Also called: Immunodeficiency 44. Identifiers: Orphanet 431166, MedGen C4225260, MONDO:0014715, OMIM 616636.

Allele frequency attached by ClinVar (database versions not stated): gnomAD exomes below 0.00001; ExAC 0.00002; gnomAD 0.00002; TOPMed 0.00003; 1000 Genomes Project 30x 0.00016; 1000 Genomes Project 0.00020.
gnomAD v4.1: 6 of 1,614,086 alleles (0.00037%); highest among the groups gnomAD compares: Admixed American, 0.0033%; no homozygotes.

Submissions (2):

Ambry Genetics
Classification: Uncertain significance for Inborn genetic diseases. Last evaluated: 2023-12-18. Review status: criteria provided, single submitter. Criteria: Ambry Variant Classification Scheme 2023. Collection method: clinical testing. Allele origin: germline.

Labcorp Genetics (formerly Invitae), Labcorp
Classification: Uncertain significance for Primary immunodeficiency with post-measles-mumps-rubella vaccine viral infection. Last evaluated: 2022-10-13. Review status: criteria provided, single submitter. Criteria: Invitae Variant Classification Sherloc (09022015). Collection method: clinical testing. Allele origin: germline.
Comment: In summary, the available evidence is currently insufficient to determine the role of this variant in disease. Therefore, it has been classified as a Variant of Uncertain Significance. Advanced modeling of protein sequence and biophysical properties (such as structural, functional, and spatial information, amino acid conservation, physicochemical variation, residue mobility, and thermodynamic stability) has been performed at Invitae for this missense variant, however the output from this modeling did not meet the statistical confidence thresholds required to predict the impact of this variant on STAT2 protein function. This variant has not been reported in the literature in individuals affected with STAT2-related conditions. This variant is present in population databases (rs201603822, gnomAD no frequency). This sequence change replaces aspartic acid, which is acidic and polar, with glutamic acid, which is acidic and polar, at codon 558 of the STAT2 protein (p.Asp558Glu).

NM_005419.4(STAT2):c.1674C>A (p.Asp558Glu)

Gene: STAT2 (signal transducer and activator of transcription 2; minus strand). Cytogenetic location: 12q13.3.
Variant type: single nucleotide variant.
Coding change: c.1674C>A on transcript NM_005419.4 (MANE Select); coding-DNA position 1674, C replaced by A.
Protein change: p.Asp558Glu; replaces aspartic acid 558 with glutamic acid.
Molecular consequence: missense variant.
Genome position (GRCh38, 1-based): chr12:56,348,579, G>T on the plus strand (C>A on the coding strand, the complement: STAT2 is on the minus strand). VCF-style: chr12-56348579-G-T. GRCh37 (hg19) VCF-style: chr12-56742363-G-T.
Other names: c.1641C>A, p.Asp547Glu (NM_001385110.1); c.1575C>A, p.Asp525Glu (NM_001385111.1); c.1674C>A, p.Asp558Glu (NM_001385113.1); c.1653C>A, p.Asp551Glu (NM_001385114.1); c.1632C>A, p.Asp544Glu (NM_001385115.1); c.1662C>A, p.Asp554Glu (NM_198332.2); c.1674C>A (NM_005419.3); short protein forms D525E, D547E, D551E, D558E, D544E, D554E.
Identifiers: ClinVar variation 1911619 (VCV001911619.5), dbSNP rs201603822, ClinGen allele CA6630436.